The following is an entry in ClinVar:

NM_005862.3(STAG1):c.2915_2917del (p.Glu972del)

Gene: STAG1 (STAG1 cohesin complex component; minus strand). Cytogenetic location: 3q22.3.
Variant type: Deletion.
Coding change: c.2915_2917del on transcript NM_005862.3 (MANE Select); coding-DNA positions 2915 to 2917, 3 bases deleted (AAG; older notation c.2915_2917delAAG).
Protein change: p.Glu972del; deletes glutamic acid 972.
Molecular consequence: inframe deletion.
Genome position (GRCh38, 1-based): chr3:136,359,167-136,359,169, CTT deleted on the plus strand (AAG on the coding strand, the reverse complement: STAG1 is on the minus strand); deleting any 3 consecutive bases within chr3:136,359,167-136,359,171 gives the same sequence; the c. name uses the placement nearest the transcript's 3' end. VCF-style (leftmost placement, unchanged base first): chr3-136359166-GCTT-G. GRCh37 (hg19) VCF-style: chr3-136078008-GCTT-G.
Other names: short protein forms E972del.
Identifiers: ClinVar variation 5009536 (VCV005009536.1).

ClinVar aggregate classification (germline): Uncertain significance (1 of 4 stars; one submission).

Submission:

GeneDx
Classification: Uncertain significance. Last evaluated: 2026-03-20. Review status: criteria provided, single submitter. Criteria: GeneDx Variant Classification Process June 2021. Collection method: clinical testing. Allele origin: germline.
Comment: Not observed at significant frequency in large population cohorts (gnomAD); In-frame deletion of 1 amino acid in a non-repeat region; In silico analysis supports a deleterious effect on protein structure/function; Has not been previously published as pathogenic or benign to our knowledge